The following is an entry in ClinVar:

NM_198576.4(AGRN):c.3517-3C>T

Gene: AGRN (agrin; plus strand). Cytogenetic location: 1p36.33.
Variant type: single nucleotide variant.
Coding change: c.3517-3C>T on transcript NM_198576.4 (MANE Select); 3 bases into the intron before coding-DNA position 3517, C replaced by T.
Molecular consequence: intron variant.
Genome position (GRCh38, 1-based): chr1:1,047,570, C>T. VCF-style: chr1-1047570-C-T. GRCh37 (hg19) VCF-style: chr1-982950-C-T.
Other names: c.3517-3C>T (NM_001305275.2); c.3202-3C>T (NM_001364727.2).
Identifiers: ClinVar variation 1052643 (VCV001052643.7), dbSNP rs2100664552, ClinGen allele CA2499214095.
Genomic context (GRCh38, chr1:1,047,570, plus strand): 5'-GAGCAGCACCAGGGCAGCCCGGCTTGGGCGGCCCCCCAAGTCCTTGCCTACTCCCTGCCA[C>T]AGCTGGACGACCTCTTCCGGAATTCAGACGTCAAGAAGGATTTTCGGAGTGTCCGCTTGC-3'

ClinVar aggregate classification (germline): Uncertain significance (1 of 4 stars; one submission).

Conditions:
Congenital myasthenic syndrome 8. Also called: MYASTHENIC SYNDROME, CONGENITAL, DUE TO AGRIN DEFICIENCY; Myasthenic syndrome, congenital, 8, with pre- and postsynaptic defects. Identifiers: Orphanet 590, MedGen C3808739, MONDO:0014052, OMIM 615120.

Submission:

Labcorp Genetics (formerly Invitae), Labcorp
Classification: Uncertain significance for Congenital myasthenic syndrome 8. Last evaluated: 2022-07-06. Review status: criteria provided, single submitter. Criteria: Invitae Variant Classification Sherloc (09022015). Collection method: clinical testing. Allele origin: germline.
Comment: In summary, the available evidence is currently insufficient to determine the role of this variant in disease. Therefore, it has been classified as a Variant of Uncertain Significance. Variants that disrupt the consensus splice site are a relatively common cause of aberrant splicing (PMID: 17576681, 9536098). Algorithms developed to predict the effect of sequence changes on RNA splicing suggest that this variant is not likely to affect RNA splicing. ClinVar contains an entry for this variant (Variation ID: 1052643). This sequence change falls in intron 20 of the AGRN gene. It does not directly change the encoded amino acid sequence of the AGRN protein. It affects a nucleotide within the consensus splice site. This variant has not been reported in the literature in individuals affected with AGRN-related conditions. This variant is not present in population databases (gnomAD no frequency).

Literature cited by the submitters: PubMed 17576681; PubMed 9536098.